The following is an entry in ClinVar:

NM_016648.4(LARP7):c.1491del (p.Phe497fs)

Gene: LARP7 (La ribonucleoprotein 7, transcriptional regulator; plus strand). Cytogenetic location: 4q25.
Variant type: Deletion.
Coding change: c.1491del on transcript NM_016648.4 (MANE Select); coding-DNA position 1491, one base deleted (T; older notation c.1491delT).
Protein change: p.Phe497fs; shifts the reading frame from phenylalanine 497.
Molecular consequence: frameshift variant.
Genome position (GRCh38, 1-based): chr4:112,653,151, T deleted; the last of 3 consecutive T bases (chr4:112,653,149-112,653,151); deleting any one gives the same sequence. VCF-style (leftmost placement, unchanged base first): chr4-112653148-AT-A. GRCh37 (hg19) VCF-style: chr4-113574304-AT-A.
Other names: c.1491del, p.Phe497fs (NM_001267039.4, NM_001370978.1, NM_015454.3); c.1530del, p.Phe510fs (NM_001370974.1, NM_001370975.1); c.1527del, p.Phe509fs (NM_001370976.1, NM_001370977.1); c.1488del, p.Phe496fs (NM_001370979.1, NM_001370980.1); c.1254del, p.Phe418fs (NM_001370981.1, NM_001370982.1); short protein forms F497fs, F418fs, F496fs, F509fs, F510fs.
Identifiers: ClinVar variation 2999617 (VCV002999617.3), dbSNP rs2477903099, ClinGen allele CA2578171392.

ClinVar aggregate classification (germline): Pathogenic (1 of 4 stars; one submission).

Submission:

Labcorp Genetics (formerly Invitae), Labcorp
Classification: Pathogenic. Last evaluated: 2023-08-25. Review status: criteria provided, single submitter. Criteria: Invitae Variant Classification Sherloc (09022015). Collection method: clinical testing. Allele origin: germline.
Comment: For these reasons, this variant has been classified as Pathogenic. This variant has not been reported in the literature in individuals affected with LARP7-related conditions. This variant is not present in population databases (gnomAD no frequency). This sequence change creates a premature translational stop signal (p.Phe497Leufs*10) in the LARP7 gene. It is expected to result in an absent or disrupted protein product. Loss-of-function variants in LARP7 are known to be pathogenic (PMID: 22865833, 26374271, 26607181).

Literature cited by the submitters: PubMed 22865833; PubMed 26374271; PubMed 26607181.